The following is an entry in ClinVar:

ClinVar aggregate classification (germline): Likely benign. Review status: criteria provided, multiple submitters, no conflicts (2 of 4 stars). 2 submissions from 2 submitters: Likely benign (2). Last evaluated 2026-04-22.

Conditions:
Colorectal cancer, susceptibility to, 1. Also called: COLORECTAL ADENOMA AND CANCER, SUSCEPTIBILITY TO; COLORECTAL CANCER, SUSCEPTIBILITY TO, ON CHROMOSOME 9. Identifiers: MedGen C1837315, MONDO:0012132, OMIM 608812.

Submissions (2):

Myriad Genetics, Inc.
Classification: Likely benign for Colorectal cancer, susceptibility to, 1. Last evaluated: 2026-04-22. Review status: criteria provided, single submitter. Criteria: Myriad Autosomal Dominant, Autosomal Recessive and X-Linked Classification Criteria (2023). Collection method: clinical testing. Allele origin: unknown.
Comment: This variant is considered likely benign. This variant is intronic and is not expected to impact mRNA splicing.

Labcorp Genetics (formerly Invitae), Labcorp
Classification: Likely benign. Last evaluated: 2024-01-11. Review status: criteria provided, single submitter. Criteria: Invitae Variant Classification Sherloc (09022015). Collection method: clinical testing. Allele origin: germline.

NM_024642.5(GALNT12):c.1213-10_1213-8del

Gene: GALNT12 (polypeptide N-acetylgalactosaminyltransferase 12; plus strand). Cytogenetic location: 9q22.33.
Variant type: Microsatellite.
Coding change: c.1213-10_1213-8del on transcript NM_024642.5 (MANE Select); 10 bases into the intron before coding-DNA position 1213 through 8 bases into the intron before coding-DNA position 1213, 3 bases deleted (GTT; older notation c.1213-10_1213-8delGTT).
Molecular consequence: intron variant.
Genome position (GRCh38, 1-based): chr9:98,839,992-98,839,994, GTT deleted; deleting any 3 consecutive bases within chr9:98,839,987-98,839,994 gives the same sequence; the c. name uses the placement nearest the transcript's 3' end. VCF-style (leftmost placement, unchanged base first): chr9-98839986-TTTG-T. GRCh37 (hg19) VCF-style: chr9-101602268-TTTG-T.
Identifiers: ClinVar variation 2740535 (VCV002740535.4), dbSNP rs774753845, ClinGen allele CA5154204.